The following is an entry in ClinVar:

NM_004360.5(CDH1):c.388-2A>G

Gene: CDH1 (cadherin 1; plus strand). Cytogenetic location: 16q22.1.
Variant type: single nucleotide variant.
Coding change: c.388-2A>G on transcript NM_004360.5 (MANE Select); the canonical splice acceptor site of the intron before coding-DNA position 388, A replaced by G.
Molecular consequence: splice acceptor variant.
Genome position (GRCh38, 1-based): chr16:68,808,422, A>G. VCF-style: chr16-68808422-A-G. GRCh37 (hg19) VCF-style: chr16-68842325-A-G.
Other names: c.-1228-2A>G (NM_001317185.2); c.-1432-2A>G (NM_001317186.2); c.388-2A>G (NM_001317184.2).
Identifiers: ClinVar variation 4841307 (VCV004841307.1).

ClinVar aggregate classification (germline): Uncertain significance (1 of 4 stars; one submission).

Conditions:
Hereditary cancer-predisposing syndrome. Also called: Neoplastic Syndromes, Hereditary; Tumor predisposition; Hereditary Cancer Syndrome; Hereditary neoplastic syndrome. Identifiers: Orphanet 140162, MedGen C0027672, MeSH D009386, MONDO:0015356.

Submission:

Ambry Genetics
Classification: Uncertain significance for Hereditary cancer-predisposing syndrome. Last evaluated: 2026-02-27. Review status: criteria provided, single submitter. Criteria: Ambry Variant Classification Scheme 2023. Collection method: clinical testing. Allele origin: germline.
Comment: The c.388-2A>G intronic variant results from an A to G substitution two nucleotides upstream from coding exon 4 in the CDH1 gene. Variants that disrupt the canonical splice site are expected to result in aberrant splicing. This nucleotide position is highly conserved in available vertebrate species. In silico splice site analysis predicts that this alteration will weaken the native splice acceptor site. A resulting transcript is predicted to be in-frame and is not expected to trigger nonsense-mediated mRNAdecay; direct evidence is insufficient at this time (Ambry internal data). Based on the available evidence, the clinical significance of this variant remains unclear.